The following is an entry in ClinVar:

ClinVar aggregate classification (germline): Uncertain significance. Review status: criteria provided, multiple submitters, no conflicts (2 of 4 stars). 4 submissions from 4 submitters: Uncertain significance (4). Last evaluated 2026-01-19.

Conditions:
Hereditary cancer-predisposing syndrome. Also called: Hereditary neoplastic syndrome; Neoplastic Syndromes, Hereditary; Hereditary Cancer Syndrome; Tumor predisposition. Identifiers: Orphanet 140162, MedGen C0027672, MeSH D009386, MONDO:0015356.

Allele frequency attached by ClinVar (database versions not stated): gnomAD exomes below 0.00001; gnomAD 0.00001; 1000 Genomes Project 30x 0.00016; 1000 Genomes Project 0.00020.
gnomAD v4.1: 2 of 1,613,940 alleles (0.00012%); highest among the groups gnomAD compares: East Asian, 0.0045%; no homozygotes.

Submissions (4):

Labcorp Genetics (formerly Invitae), Labcorp
Classification: Uncertain significance. Last evaluated: 2026-01-19. Review status: criteria provided, single submitter. Criteria: Invitae Variant Classification Sherloc (09022015). Collection method: clinical testing. Allele origin: germline.
Comment: This sequence change replaces serine, which is neutral and polar, with phenylalanine, which is neutral and non-polar, at codon 1005 of the POLE protein (p.Ser1005Phe). This variant is not present in population databases (gnomAD no frequency). This variant has not been reported in the literature in individuals affected with POLE-related conditions. ClinVar contains an entry for this variant (Variation ID: 405733). Invitae Evidence Modeling of protein sequence and biophysical properties (such as structural, functional, and spatial information, amino acid conservation, physicochemical variation, residue mobility, and thermodynamic stability) indicates that this missense variant is not expected to disrupt POLE protein function with a negative predictive value of 80%. In summary, the available evidence is currently insufficient to determine the role of this variant in disease. Therefore, it has been classified as a Variant of Uncertain Significance.

Ambry Genetics
Classification: Uncertain significance for Hereditary cancer-predisposing syndrome. Last evaluated: 2025-01-02. Review status: criteria provided, single submitter. Criteria: Ambry Variant Classification Scheme 2023. Collection method: clinical testing. Allele origin: germline.
Comment: The p.S1005F variant (also known as c.3014C>T), located in coding exon 25 of the POLE gene, results from a C to T substitution at nucleotide position 3014. The serine at codon 1005 is replaced by phenylalanine, an amino acid with highly dissimilar properties. This amino acid position is well conserved in available vertebrate species. In addition, the in silico prediction for this alteration is inconclusive. Based on the available evidence, the clinical significance of this variant remains unclear.

Clinical Genetics Laboratory, Skane University Hospital Lund
Classification: Uncertain significance. Last evaluated: 2024-01-29. Review status: criteria provided, single submitter. Criteria: ACMG Guidelines, 2015. Collection method: clinical testing. Allele origin: germline. Affected: yes.

Blueprint Genetics
Classification: Uncertain significance. Last evaluated: 2020-07-13. Review status: criteria provided, single submitter. Criteria: ACMG Guidelines, 2015. Collection method: clinical testing. Allele origin: germline.

NM_006231.4(POLE):c.3014C>T (p.Ser1005Phe)

Gene: POLE (DNA polymerase epsilon, catalytic subunit; minus strand). Cytogenetic location: 12q24.33.
Variant type: single nucleotide variant.
Coding change: c.3014C>T on transcript NM_006231.4 (MANE Select); coding-DNA position 3014, C replaced by T.
Protein change: p.Ser1005Phe; replaces serine 1005 with phenylalanine.
Molecular consequence: missense variant.
Genome position (GRCh38, 1-based): chr12:132,661,015, G>A on the plus strand (C>T on the coding strand, the complement: POLE is on the minus strand). VCF-style: chr12-132661015-G-A. GRCh37 (hg19) VCF-style: chr12-133237601-G-A.
Other names: short protein forms S1005F.
Identifiers: ClinVar variation 405733 (VCV000405733.12), dbSNP rs550579850, ClinGen allele CA16613895.